The following is an entry in ClinVar:

NM_006767.4(LZTR1):c.1942+1del

Gene: LZTR1 (leucine zipper like post translational regulator 1; plus strand). Cytogenetic location: 22q11.21.
Variant type: Deletion.
Coding change: c.1942+1del on transcript NM_006767.4 (MANE Select); the canonical splice donor site of the intron after coding-DNA position 1942, one base deleted (G; older notation c.1942+1delG).
Molecular consequence: splice donor variant.
Genome position (GRCh38, 1-based): chr22:20,995,027, G deleted; the last of 2 consecutive G bases (chr22:20,995,026-20,995,027); deleting either gives the same sequence. VCF-style (leftmost placement, unchanged base first): chr22-20995025-TG-T. GRCh37 (hg19) VCF-style: chr22-21349314-TG-T.
Identifiers: ClinVar variation 4101821 (VCV004101821.2).

ClinVar aggregate classification (germline): Likely pathogenic (1 of 4 stars; one submission).

Conditions:
Cardiovascular phenotype. Identifiers: MedGen CN230736.
Hereditary cancer-predisposing syndrome. Also called: Neoplastic Syndromes, Hereditary; Tumor predisposition; Hereditary Cancer Syndrome; Hereditary neoplastic syndrome. Identifiers: Orphanet 140162, MedGen C0027672, MeSH D009386, MONDO:0015356.

Submission:

Ambry Genetics
Classification: Likely pathogenic for Cardiovascular phenotype; Hereditary cancer-predisposing syndrome. Last evaluated: 2026-04-02. Review status: criteria provided, single submitter. Criteria: Ambry Variant Classification Scheme 2023. Collection method: clinical testing. Allele origin: germline.
Comment: The c.1942+1delG intronic variant, located in intron 16 of the LZTR1 gene, results from a deletion of one nucleotide within intron 16 of the LZTR1 gene. This variant has been observed in at least one individual with a personal history that is consistent with LZTR1-related schwannomatosis (Ambry internal data). This variant is considered to be rare based on population cohorts in the Genome Aggregation Database (gnomAD). This nucleotide position is highly conserved in available vertebrate species. Alterations that disrupt the canonical splice site are expected to cause aberrant splicing, resulting in an abnormal protein or a transcript that is subject to nonsense-mediated mRNA decay. In silico splice site analysis predicts that this alteration will weaken the native splice donor site and will result in the creation or strengthening of a novel splice donor site. RNA studies have demonstrated that this alteration results in abnormal splicing in the set of samples tested (Ambry internal data). Loss-of-function variants in LZTR1 are related to an increased risk for schwannomas and autosomal recessive Noonan syndrome; however, such associations with autosomal dominant Noonan syndrome have not been observed (Piotrowski A et al. Nat Genet. 2014 Feb;46:182-7; Yamamoto GL et al. J Med Genet. 2015 Jun;52:413-21; Johnston JJ et al. Genet Med. 2018 10;20:1175-1185). Based on the supporting evidence, this variant is likely pathogenic for an increased risk of LZTR1-related schwannomatosis (SWN) and would be expected to cause autosomal recessive Noonan syndrome when present along with a second pathogenic or likely pathogenic variant on the other allele; however, the association of this alteration with autosomal dominant Noonan syndrome is unlikely.